The following is an entry in ClinVar:

ClinVar aggregate classification (germline): Pathogenic (1 of 4 stars; one submission).

Conditions:
Malan overgrowth syndrome (MALNS). Also called: NFIX-Related Malan Syndrome; MALAN SYNDROME; Sotos syndrome 2. Identifiers: Orphanet 420179, MedGen C3553660, MONDO:0013885, OMIM 614753.
Marshall-Smith syndrome (MRSHSS). Identifiers: Orphanet 561, MedGen C0265211, MONDO:0011244, OMIM 602535.

Submission:

Labcorp Genetics (formerly Invitae), Labcorp
Classification: Pathogenic for Malan overgrowth syndrome; Marshall-Smith syndrome. Last evaluated: 2025-08-29. Review status: criteria provided, single submitter. Criteria: Invitae Variant Classification Sherloc (09022015). Collection method: clinical testing. Allele origin: germline.
Comment: This sequence change creates a premature translational stop signal (p.Lys86Alafs*6) in the NFIX gene. It is expected to result in an absent or disrupted protein product. Loss-of-function variants in NFIX are known to be pathogenic (PMID: 20673863, 20949508, 24924640, 25118028). This variant is not present in population databases (gnomAD no frequency). This variant has not been reported in the literature in individuals affected with NFIX-related conditions. For these reasons, this variant has been classified as Pathogenic.

Literature cited by the submitters: PubMed 20673863; PubMed 20949508; PubMed 24924640; PubMed 25118028.

NM_001365902.3(NFIX):c.232_262del (p.Lys78fs)

Gene: NFIX (nuclear factor I X; plus strand). Cytogenetic location: 19p13.13.
Variant type: Deletion.
Coding change: c.232_262del on transcript NM_001365902.3 (MANE Select); coding-DNA positions 232 to 262, 31 bases deleted.
Protein change: p.Lys78fs; shifts the reading frame from lysine 78.
Molecular consequence: frameshift variant.
Genome position (GRCh38, 1-based): chr19:13,025,225-13,025,255, 31 bases deleted; deleting any 31 consecutive bases within chr19:13,025,223-13,025,255 gives the same sequence; the c. name uses the placement nearest the transcript's 3' end. GRCh37 (hg19): chr19:13,136,039-13,136,069.
Other names: c.256_286del, p.Lys86fs (NM_001271043.2); c.208_238del, p.Lys70fs (NM_001271044.3, NM_001378404.1, NM_001440616.1 and 1 more transcripts); c.232_262del, p.Lys78fs (NM_001365982.2, NM_002501.4); c.91_121del, p.Lys31fs (NM_001365983.2); c.229_259del, p.Lys77fs (NM_001365984.2, NM_001365985.2); c.280_310del, p.Lys94fs (NM_001378405.1); short protein forms K70fs, K86fs, K31fs, K77fs, K78fs, K94fs.
Identifiers: ClinVar variation 4784529 (VCV004784529.1).